The following is an entry in ClinVar:

ClinVar aggregate classification (germline): Conflicting classifications of pathogenicity. Review status: criteria provided, conflicting classifications (1 of 4 stars). 4 submissions from 4 submitters: Uncertain significance (3); Likely benign (1). Last evaluated 2022-06-11.

Conditions:
Hereditary cancer-predisposing syndrome. Also called: Tumor predisposition; Hereditary Cancer Syndrome; Hereditary neoplastic syndrome; Neoplastic Syndromes, Hereditary. Identifiers: Orphanet 140162, MedGen C0027672, MeSH D009386, MONDO:0015356.
Microcephaly, normal intelligence and immunodeficiency (NBS). Also called: IMMUNODEFICIENCY, MICROCEPHALY, AND CHROMOSOMAL INSTABILITY; SEEMANOVA SYNDROME II; Nijmegen breakage syndrome; Microcephaly with normal intelligence immunodeficiency and lymphoreticular malignancies; Nonsyndromal microcephaly autosomal recessive with normal intelligence; Seemanova syndrome 2. Identifiers: Orphanet 647, MedGen C0398791, MONDO:0009623, OMIM 251260.

Allele frequency attached by ClinVar (database versions not stated): gnomAD exomes below 0.00001.
gnomAD v4.1: 1 of 1,614,084 alleles (0.000062%); highest among the groups gnomAD compares: Non-Finnish European, 0.000085%; no homozygotes.

Submissions (4):

Labcorp Genetics (formerly Invitae), Labcorp
Classification: Uncertain significance for Microcephaly, normal intelligence and immunodeficiency. Last evaluated: 2022-06-11. Review status: criteria provided, single submitter. Criteria: Invitae Variant Classification Sherloc (09022015). Collection method: clinical testing. Allele origin: germline.
Comment: In summary, the available evidence is currently insufficient to determine the role of this variant in disease. Therefore, it has been classified as a Variant of Uncertain Significance. Algorithms developed to predict the effect of missense changes on protein structure and function output the following: SIFT: "Tolerated"; PolyPhen-2: "Benign"; Align-GVGD: "Class C0". The valine amino acid residue is found in multiple mammalian species, which suggests that this missense change does not adversely affect protein function. ClinVar contains an entry for this variant (Variation ID: 182726). This variant has not been reported in the literature in individuals affected with NBN-related conditions. This variant is not present in population databases (gnomAD no frequency). This sequence change replaces isoleucine, which is neutral and non-polar, with valine, which is neutral and non-polar, at codon 97 of the NBN protein (p.Ile97Val).

Genome-Nilou Lab
Classification: Uncertain significance for Microcephaly, normal intelligence and immunodeficiency. Last evaluated: 2021-11-07. Review status: criteria provided, single submitter. Criteria: ACMG Guidelines, 2015. Collection method: clinical testing. Allele origin: germline. Affected: no.

Ambry Genetics
Classification: Likely benign for Hereditary cancer-predisposing syndrome. Last evaluated: 2021-10-07. Review status: criteria provided, single submitter. Criteria: Ambry Variant Classification Scheme 2023. Collection method: clinical testing. Allele origin: germline.

GeneDx
Classification: Uncertain significance. Last evaluated: 2014-04-22. Review status: criteria provided, single submitter. Criteria: GeneDx Variant Classification (06012015). Collection method: clinical testing. Allele origin: germline. Affected: yes.
Comment: This variant is denoted NBN c.289A>G at the cDNA level, p.Ile97Val (I97V) at the protein level, and results in the change of an Isoleucine to a Valine (ATT>GTT). This variant has not, to our knowledge, been published in the literature as pathogenic or benign. NBN Ile97Val was not observed in approximately 6,500 individuals of European and African American ancestry in the NHLBI Exome Sequencing Project, indicating it is not a common benign variant in these populations. Since Isoleucine and Valine share similar properties, this is considered a conservative amino acid substitution. NBN Ile97Val occurs at a position that is highly variable across many species and is not located in a known functional domain. In silico analyses predict that this variant is unlikely to alter protein structure or function. Based on currently available information, it is unclear whether NBN Ile97Val is pathogenic or benign. We consider it to be a variant of uncertain significance. Furthermore, NBN has been only recently described in association with cancer predisposition and the risks are not well understood.

NM_002485.5(NBN):c.289A>G (p.Ile97Val)

Gene: NBN (nibrin; minus strand). Cytogenetic location: 8q21.3.
Variant type: single nucleotide variant.
Coding change: c.289A>G on transcript NM_002485.5 (MANE Select); coding-DNA position 289, A replaced by G.
Protein change: p.Ile97Val; replaces isoleucine 97 with valine.
Molecular consequence: missense variant.
Genome position (GRCh38, 1-based): chr8:89,981,406, T>C on the plus strand (A>G on the coding strand, the complement: NBN is on the minus strand). VCF-style: chr8-89981406-T-C. GRCh37 (hg19) VCF-style: chr8-90993634-T-C.
Other names: p.I97V:ATT>GTT; c.43A>G, p.Ile15Val (NM_001024688.3); short protein forms I97V, I15V.
Identifiers: ClinVar variation 182726 (VCV000182726.16), dbSNP rs730881855, ClinGen allele CA299627.
Genomic context (GRCh38, chr8:89,981,406, plus strand): 5'-ATTTTAAAATCAATTTTAAAATGTCTTACCTGAATTTACTTCCAAACACTCCAAAAGTAA[T>C]ACCATCCCCCGACTTCAAAGTTCGGGAAAAGCCATTCTGCATTTTTTCCTCATTAACAAA-3'
Protein context (NP_002476.2, residues 87-107): FSRTLKSGDG[Ile97Val]TFGVFGSKFR